The following is an entry in ClinVar:

ClinVar aggregate classification (germline): Uncertain significance (1 of 4 stars; one submission).

Submission:

GeneDx
Classification: Uncertain significance. Last evaluated: 2024-03-26. Review status: criteria provided, single submitter. Criteria: GeneDx Variant Classification Process June 2021. Collection method: clinical testing. Allele origin: germline. Affected: yes.
Comment: Not observed at significant frequency in large population cohorts (gnomAD); In silico analysis supports that this missense variant does not alter protein structure/function; Has not been previously published as pathogenic or benign to our knowledge

NM_018972.4(GDAP1):c.378G>C (p.Glu126Asp)

Gene: GDAP1 (ganglioside induced differentiation associated protein 1; plus strand). Cytogenetic location: 8q21.11.
Variant type: single nucleotide variant.
Coding change: c.378G>C on transcript NM_018972.4 (MANE Select); coding-DNA position 378, G replaced by C.
Protein change: p.Glu126Asp; replaces glutamic acid 126 with aspartic acid.
Molecular consequence: missense variant. On other transcripts: intron variant (1).
Genome position (GRCh38, 1-based): chr8:74,360,204, G>C. VCF-style: chr8-74360204-G-C. GRCh37 (hg19) VCF-style: chr8-75272439-G-C.
Other names: c.174G>C, p.Glu58Asp (NM_001040875.4); c.51G>C, p.Glu17Asp (NM_001362929.2, NM_001362932.2); c.378G>C, p.Glu126Asp (NM_001362931.2); c.311-1680G>C (NM_001362930.2); short protein forms E126D, E17D, E58D.
Identifiers: ClinVar variation 3371138 (VCV003371138.1).